The following is an entry in ClinVar:

NM_001382273.1(TNK2):c.1738G>A (p.Gly580Arg)

Gene: TNK2 (tyrosine kinase non receptor 2; minus strand). Cytogenetic location: 3q29.
Variant type: single nucleotide variant.
Coding change: c.1738G>A on transcript NM_001382273.1 (MANE Select); coding-DNA position 1738, G replaced by A.
Protein change: p.Gly580Arg; replaces glycine 580 with arginine.
Molecular consequence: missense variant. On other transcripts: non-coding transcript variant (15).
Genome position (GRCh38, 1-based): chr3:195,868,560, C>T on the plus strand (G>A on the coding strand, the complement: TNK2 is on the minus strand). VCF-style: chr3-195868560-C-T. GRCh37 (hg19) VCF-style: chr3-195595431-C-T.
Other names: c.1927G>A (NM_001010938.1); c.1738G>A, p.Gly580Arg (NM_001382274.1, NM_001387716.1, NM_001387717.1 and 1 more transcripts); c.1834G>A, p.Gly612Arg (NM_001382275.1, NM_001387707.1); c.1693G>A, p.Gly565Arg (NM_001386164.1, NM_001387709.1, NM_001387710.1 and 8 more transcripts); c.1765G>A, p.Gly589Arg (NM_001387708.1, NM_001387715.1); c.1810G>A, p.Gly604Arg (NM_001010938.2, NM_001382272.1); c.1789G>A, p.Gly597Arg (NM_001308046.2, NM_001382271.1); short protein forms G612R, G580R, G589R, G565R, G597R, G604R.
Identifiers: ClinVar variation 1492636 (VCV001492636.11), dbSNP rs369417335, ClinGen allele CA2776215.

ClinVar aggregate classification (germline): Uncertain significance. Review status: criteria provided, multiple submitters, no conflicts (2 of 4 stars). 3 submissions from 3 submitters: Uncertain significance (3). Last evaluated 2025-06-25.

Allele frequency attached by ClinVar (database versions not stated): ESP Exome Variant Server 0.00034; ExAC 0.00047; TOPMed 0.00053.

Submissions (3):

Ambry Genetics
Classification: Uncertain significance. Last evaluated: 2025-06-25. Review status: criteria provided, single submitter. Criteria: Ambry Variant Classification Scheme 2023. Collection method: clinical testing. Allele origin: germline.

Labcorp Genetics (formerly Invitae), Labcorp
Classification: Uncertain significance. Last evaluated: 2023-06-11. Review status: criteria provided, single submitter. Criteria: Invitae Variant Classification Sherloc (09022015). Collection method: clinical testing. Allele origin: germline.
Comment: In summary, the available evidence is currently insufficient to determine the role of this variant in disease. Therefore, it has been classified as a Variant of Uncertain Significance. An algorithm developed to predict the effect of missense changes on protein structure and function (PolyPhen-2) suggests that this variant is likely to be tolerated. ClinVar contains an entry for this variant (Variation ID: 1492636). This variant has not been reported in the literature in individuals affected with TNK2-related conditions. This variant is present in population databases (rs369417335, gnomAD 0.1%), and has an allele count higher than expected for a pathogenic variant. This sequence change replaces glycine, which is neutral and non-polar, with arginine, which is basic and polar, at codon 643 of the TNK2 protein (p.Gly643Arg).

Breakthrough Genomics
Classification: Uncertain significance. Review status: criteria provided, single submitter. Criteria: ACMG Guidelines, 2015. Collection method: not provided. Allele origin: germline. Inheritance: Unknown mechanism. Affected: yes.